The following continues an entry in ClinVar:

NM_000277.3(PAH):c.506G>A (p.Arg169His)

Gene: PAH. ClinVar aggregate classification (germline): Likely pathogenic. Likely pathogenic (1).

Submissions 24 to 32 of 32:

Illumina Laboratory Services, Illumina
Classification: Likely pathogenic for Phenylketonuria. Last evaluated: 2018-05-04. Review status: criteria provided, single submitter. Criteria: ICSL Variant Classification Criteria 09 May 2019. Collection method: clinical testing. Allele origin: germline. Not counted in ClinVar's aggregate classification.
Comment: The PAH c.506G>A (p.Arg169His) missense variant has been reported in five studies in which it is found in a total of six patients with phenylalanine hydroxylase (PAH) deficiency including in two in a compound heterozygous state with another missense variant, two in heterozygous state with a mild form of phenylalanine hydroxylase deficiency, and two with unknown zygosity (Desviat et al. 1999; Aulehla-Scholz et al. 2003; Bercovich et al. 2008a; Bercovich et al. 2008b; RÃ©blovÃ¡ et al. 2013). The p.Arg169His variant was absent from at least 200 controls and is reported at a frequency of 0.00046 in the European (non-Finnish) population of the Exome Aggregation Consortium. Based on the evidence, the p.Arg169His variant is classified as likely pathogenic for phenylalanine hydroxylase deficiency. This variant was observed by ICSL as part of a predisposition screen in an ostensibly healthy population.

Eurofins Ntd Llc (ga)
Classification: Uncertain significance. Last evaluated: 2018-01-02. Review status: criteria provided, single submitter. Criteria: EGL Classification Definitions 2015. Collection method: clinical testing. Allele origin: germline. Observed: 1 variant allele, 1 heterozygote. Not counted in ClinVar's aggregate classification.

Genetic Services Laboratory, University of Chicago
Classification: Likely pathogenic for Phenylketonuria. Last evaluated: 2016-07-18. Review status: criteria provided, single submitter. Criteria: ACMG Guidelines, 2015. Collection method: clinical testing. Allele origin: germline. Affected: yes. Not counted in ClinVar's aggregate classification.

Imagene.me medical diagnostic laboratory, IMAGENE.ME SA
Classification: Pathogenic for Phenylketonuria. Review status: criteria provided, single submitter. Criteria: IMAGENE.ME Variant Classification SOP 2022. Collection method: clinical testing. Allele origin: germline. Affected: yes. Not counted in ClinVar's aggregate classification.
Comment: Classified according to the IMAGENE.ME variant classification SOP based on the ACMG guidelines as Pathogenic (P): PS4_Moderate + PM5_Strong + PM3_Strong + PM2 + PM1 + PP4_Moderate + PP3

Kariminejad - Najmabadi Pathology & Genetics Center
Classification: Pathogenic for Phenylketonuria. Review status: criteria provided, single submitter. Criteria: ACMG Guidelines, 2015. Collection method: clinical testing. Allele origin: germline. Affected: no. Not counted in ClinVar's aggregate classification.

Counsyl
Classification: Likely pathogenic for Phenylketonuria. Last evaluated: 2019-01-11. Review status: no assertion criteria provided. Collection method: clinical testing. Allele origin: unknown. Not counted in ClinVar's aggregate classification.

Clinical Genetics DNA and cytogenetics Diagnostics Lab, Erasmus MC, Erasmus Medical Center
Classification: Uncertain significance. Review status: no assertion criteria provided. Collection method: clinical testing. Allele origin: germline. Affected: yes. Study: VKGL Data-share Consensus. Not counted in ClinVar's aggregate classification.

DeBelle Laboratory for Biochemical Genetics, MUHC/MCH RESEARCH INSTITUTE
No classification provided. Review status: no classification provided. Collection method: not provided. Allele origin: not provided. Not counted in ClinVar's aggregate classification.

Joint Genome Diagnostic Labs from Nijmegen and Maastricht, Radboudumc and MUMC+
Classification: Uncertain significance. Review status: no assertion criteria provided. Collection method: clinical testing. Allele origin: germline. Affected: yes. Study: VKGL Data-share Consensus. Not counted in ClinVar's aggregate classification.

Literature cited by the submitters: PubMed 10234516 (cited by 9 submitters); PubMed 18299955 (cited by 7 submitters); PubMed 21147011 (cited by 3 submitters); PubMed 26666653 (cited by 7 submitters); PubMed 28982351 (cited by 5 submitters); PubMed 26503515 (cited by Labcorp Genetics (formerly Invitae), Labcorp); PubMed 29499199 (cited by 4 submitters); PubMed 30050108 (cited by Labcorp Genetics (formerly Invitae), Labcorp); PubMed 32668217 (cited by 4 submitters); PubMed 19015950 (cited by Quest Diagnostics Nichols Institute San Juan Capistrano); PubMed 18294361 (cited by 3 submitters); PubMed 12655553 (cited by 4 submitters); PubMed 23357515 (cited by 4 submitters); PubMed 33677757 (cited by 3 submitters); PubMed 31623983 (cited by 3 submitters); PubMed 31355225 (cited by 3 submitters); PubMed 30311390 (cited by 3 submitters); PubMed 35339094 (cited by Quest Diagnostics Nichols Institute San Juan Capistrano); PubMed 11385716 (cited by Women's Health and Genetics/Laboratory Corporation of America, LabCorp and Counsyl); PubMed 29997390 (cited by Women's Health and Genetics/Laboratory Corporation of America, LabCorp); PubMed 17924342 (cited by Counsyl); PubMed 26982749 (cited by Counsyl).